The following is an entry in ClinVar:

ClinVar aggregate classification (germline): Pathogenic (1 of 4 stars; one submission).

Conditions:
Neurofibromatosis, type 1 (NF1). Also called: NEUROFIBROMATOSIS, TYPE I, SOMATIC; Peripheral type neurofibromatosis; VON RECKLINGHAUSEN DISEASE; Neurofibromatosis, type I. Identifiers: Orphanet 636, MedGen C0027831, MONDO:0018975, OMIM 162200. Disease mechanism: loss of function.

Submission:

Labcorp Genetics (formerly Invitae), Labcorp
Classification: Pathogenic for Neurofibromatosis, type 1. Last evaluated: 2022-11-18. Review status: criteria provided, single submitter. Criteria: Invitae Variant Classification Sherloc (09022015). Collection method: clinical testing. Allele origin: germline.
Comment: This sequence change creates a premature translational stop signal (p.Leu731Glnfs*7) in the NF1 gene. It is expected to result in an absent or disrupted protein product. Loss-of-function variants in NF1 are known to be pathogenic (PMID: 10712197, 23913538). This variant is not present in population databases (gnomAD no frequency). This variant has not been reported in the literature in individuals affected with NF1-related conditions. For these reasons, this variant has been classified as Pathogenic.

Literature cited by the submitters: PubMed 10712197; PubMed 23913538.

NM_001042492.3(NF1):c.2188_2191dup (p.Leu731fs)

Gene: NF1 (neurofibromin 1; plus strand). Cytogenetic location: 17q11.2.
Variant type: Duplication.
Coding change: c.2188_2191dup on transcript NM_001042492.3 (MANE Select); coding-DNA positions 2188 to 2191, 4 bases duplicated (AACC; older notation c.2188_2191dupAACC).
Protein change: p.Leu731fs; shifts the reading frame from leucine 731.
Molecular consequence: frameshift variant.
Genome position (GRCh38, 1-based): chr17:31,226,621-31,226,624, AACC duplicated. VCF-style (leftmost placement, unchanged base first): chr17-31226620-T-TAACC. GRCh37 (hg19) VCF-style: chr17-29553638-T-TAACC.
Other names: c.2188_2191dup, p.Leu731Glnfs (NM_000267.4); short protein forms L731fs.
Identifiers: ClinVar variation 2804119 (VCV002804119.3), dbSNP rs2508157898, ClinGen allele CA2739267510.
Genomic context (GRCh38, chr17:31,226,620, plus strand): 5'-TTTCCGCCACCTCTGTGAGGAAGCAGATATCCGGTGTGGGGTGGATGAAGTGTCAGTGCA[T>TAACC]AACCTCTTGCCCAACTATAACACATTCATGGAGTTTGCCTCTGTCAGCAATATGATGTCA-3'